The following is an entry in ClinVar:

ClinVar aggregate classification (germline): Likely benign. Review status: criteria provided, multiple submitters, no conflicts (2 of 4 stars). 2 submissions from 2 submitters: Likely benign (2). Last evaluated 2025-10-02.

Conditions:
Early-infantile DEE. Also called: Early infantile epileptic encephalopathy with suppression bursts; Ohtahara syndrome; Early infantile epileptic encephalopathy. Identifiers: Orphanet 1934, MedGen C0393706, MONDO:0800491.

Allele frequency attached by ClinVar (database versions not stated): ExAC 0.00001; gnomAD 0.00001; gnomAD exomes 0.00002; TOPMed 0.00002.
gnomAD v4.1: 28 of 1,606,216 alleles (0.0017%); highest among the groups gnomAD compares: East Asian, 0.0045%; no homozygotes.

Submissions (2):

Labcorp Genetics (formerly Invitae), Labcorp
Classification: Likely benign for Early-infantile DEE. Last evaluated: 2025-10-02. Review status: criteria provided, single submitter. Criteria: Invitae Variant Classification Sherloc (09022015). Collection method: clinical testing. Allele origin: germline.

GeneDx
Classification: Likely benign. Last evaluated: 2017-08-07. Review status: criteria provided, single submitter. Criteria: GeneDx Variant Classification (06012015). Collection method: clinical testing. Allele origin: germline. Affected: yes.
Comment: This variant is considered likely benign or benign based on one or more of the following criteria: it is a conservative change, it occurs at a poorly conserved position in the protein, it is predicted to be benign by multiple in silico algorithms, and/or has population frequency not consistent with disease.

NM_172107.4(KCNQ2):c.297-19G>A

Gene: KCNQ2 (potassium voltage-gated channel subfamily Q member 2; minus strand). Cytogenetic location: 20q13.33.
Variant type: single nucleotide variant.
Coding change: c.297-19G>A on transcript NM_172107.4 (MANE Select); 19 bases into the intron before coding-DNA position 297, G replaced by A.
Molecular consequence: intron variant.
Genome position (GRCh38, 1-based): chr20:63,446,856, C>T on the plus strand (G>A on the coding strand, the complement: KCNQ2 is on the minus strand). VCF-style: chr20-63446856-C-T. GRCh37 (hg19) VCF-style: chr20-62078209-C-T.
Other names: c.297-19G>A (NM_004518.6, NM_172108.5, NM_172106.3 and 1 more transcripts).
Identifiers: ClinVar variation 511261 (VCV000511261.9), dbSNP rs755735309, ClinGen allele CA9958869.